The following is an entry in ClinVar:

NM_002439.5(MSH3):c.2687G>T (p.Gly896Val)

Gene: MSH3 (mutS homolog 3; plus strand). Cytogenetic location: 5q14.1.
Variant type: single nucleotide variant.
Coding change: c.2687G>T on transcript NM_002439.5 (MANE Select); coding-DNA position 2687, G replaced by T.
Protein change: p.Gly896Val; replaces glycine 896 with valine.
Molecular consequence: missense variant.
Genome position (GRCh38, 1-based): chr5:80,813,615, G>T. VCF-style: chr5-80813615-G-T. GRCh37 (hg19) VCF-style: chr5-80109434-G-T.
Other names: short protein forms G896V.
Identifiers: ClinVar variation 1794744 (VCV001794744.4), dbSNP rs2546797299, ClinGen allele CA360273869.

ClinVar aggregate classification (germline): Uncertain significance. Review status: criteria provided, multiple submitters, no conflicts (2 of 4 stars). 2 submissions from 2 submitters: Uncertain significance (2). Last evaluated 2024-11-02.

Conditions:
Hereditary cancer-predisposing syndrome. Also called: Tumor predisposition; Hereditary Cancer Syndrome; Neoplastic Syndromes, Hereditary; Hereditary neoplastic syndrome. Identifiers: Orphanet 140162, MedGen C0027672, MeSH D009386, MONDO:0015356.

Submissions (2):

Labcorp Genetics (formerly Invitae), Labcorp
Classification: Uncertain significance. Last evaluated: 2024-11-02. Review status: criteria provided, single submitter. Criteria: Invitae Variant Classification Sherloc (09022015). Collection method: clinical testing. Allele origin: germline.
Comment: This sequence change replaces glycine, which is neutral and non-polar, with valine, which is neutral and non-polar, at codon 896 of the MSH3 protein (p.Gly896Val). This variant is not present in population databases (gnomAD no frequency). This variant has not been reported in the literature in individuals affected with MSH3-related conditions. ClinVar contains an entry for this variant (Variation ID: 1794744). An algorithm developed to predict the effect of missense changes on protein structure and function (PolyPhen-2) suggests that this variant is likely to be disruptive. In summary, the available evidence is currently insufficient to determine the role of this variant in disease. Therefore, it has been classified as a Variant of Uncertain Significance.

Ambry Genetics
Classification: Uncertain significance for Hereditary cancer-predisposing syndrome. Last evaluated: 2022-10-27. Review status: criteria provided, single submitter. Criteria: Ambry Variant Classification Scheme 2023. Collection method: clinical testing. Allele origin: germline.
Comment: The p.G896V variant (also known as c.2687G>T), located in coding exon 20 of the MSH3 gene, results from a G to T substitution at nucleotide position 2687. The glycine at codon 896 is replaced by valine, an amino acid with dissimilar properties. This amino acid position is highly conserved in available vertebrate species. In addition, this alteration is predicted to be deleterious by in silico analysis. Since supporting evidence is limited at this time, the clinical significance of this alteration remains unclear.